The following is an entry in ClinVar:

ClinVar aggregate classification (germline): Uncertain significance (0 of 4 stars; one submission).

Submission:

Department of Pathology and Laboratory Medicine, Sinai Health System
Classification: Uncertain significance. Review status: no assertion criteria provided. Collection method: clinical testing. Allele origin: unknown. Affected: yes. Study: The Canadian Open Genetics Repository (COGR).
Comment: The SPNS2 p.Thr77_Gly79del variant was not identified in the literature nor was it identified in ClinVar. The variant was identified in dbSNP (ID: rs763007985) and in control databases in 65 of 103722 chromosomes at a frequency of 0.0006267 (Genome Aggregation Database March 6, 2019, v2.1.1). The variant was observed in the following populations: African in 11 of 9494 chromosomes (freq: 0.001159), European (non-Finnish) in 36 of 41774 chromosomes (freq: 0.000862), Other in 2 of 3262 chromosomes (freq: 0.000613), South Asian in 9 of 15700 chromosomes (freq: 0.000573), Latino in 6 of 15438 chromosomes (freq: 0.000389) and East Asian in 1 of 4272 chromosomes (freq: 0.000234), but was not observed in the Ashkenazi Jewish or European (Finnish) populations. This variant is an in-frame deletion resulting in the removal codons 77 to 79; the impact of this alteration on SPNS2 protein function is not known. The variant occurs outside of the splicing consensus sequence and in silico or computational prediction software programs (SpliceSiteFinder, MaxEntScan, NNSPLICE, GeneSplicer) do not predict a difference in splicing. In summary, based on the above information the clinical significance of this variant cannot be determined with certainty at this time. This variant is classified as a variant of uncertain significance.

NM_001124758.3(SPNS2):c.220ACCCCCGGC[1] (p.74TPG[1])

Genes: SPNS2 (SPNS lysolipid transporter 2, sphingosine-1-phosphate; plus strand), SPNS2-AS1 (SPNS2 antisense RNA 1; minus strand). Cytogenetic location: 17p13.2.
Variant type: Microsatellite.
Coding change: c.220ACCCCCGGC[1] on transcript NM_001124758.3 (MANE Select); one copy of the 9-base unit ACCCCCGGC starting at c.220; the reference has two copies in a row; one copy, 9 bases deleted.
Protein change: p.74TPG[1].
Molecular consequence: inframe deletion.
Genome position (GRCh38, 1-based): chr17:4,499,276-4,499,284, ACCCCCGGC deleted; deleting any 9 consecutive bases within chr17:4,499,259-4,499,284 gives the same sequence; the position shown is the placement nearest the transcript's 3' end. VCF-style (leftmost placement, unchanged base first): chr17-4499258-CCCCCCGGCA-C. GRCh37 (hg19) VCF-style: chr17-4402553-CCCCCCGGCA-C.
Identifiers: ClinVar variation 1049188 (VCV001049188.1), dbSNP rs763007985, ClinGen allele CA8302747.